The following is an entry in ClinVar:

ClinVar aggregate classification (germline): Uncertain significance (1 of 4 stars; one submission).

Conditions:
BRD4-related disorder. Also called: BRD4-related condition.

Submission:

PreventionGenetics, part of Exact Sciences
Classification: Uncertain significance for BRD4-related condition. Last evaluated: 2024-12-20. Review status: criteria provided, single submitter. Criteria: ACMG Guidelines, 2015. Collection method: clinical testing. Allele origin: germline.
Comment: The BRD4 c.3191C>T variant is predicted to result in the amino acid substitution p.Ser1064Phe. To our knowledge, this variant has not been reported in the literature or in a large population database (gnomAD), indicating this variant is rare. At this time, the clinical significance of this variant is uncertain due to the absence of conclusive functional and genetic evidence.

NM_001379291.1(BRD4):c.3191C>T (p.Ser1064Phe)

Gene: BRD4 (bromodomain containing 4; minus strand). Cytogenetic location: 19p13.12.
Variant type: single nucleotide variant.
Coding change: c.3191C>T on transcript NM_001379291.1 (MANE Select); coding-DNA position 3191, C replaced by T.
Protein change: p.Ser1064Phe; replaces serine 1064 with phenylalanine.
Molecular consequence: missense variant.
Genome position (GRCh38, 1-based): chr19:15,240,001, G>A on the plus strand (C>T on the coding strand, the complement: BRD4 is on the minus strand). VCF-style: chr19-15240001-G-A. GRCh37 (hg19) VCF-style: chr19-15350812-G-A.
Other names: c.3191C>T, p.Ser1064Phe (NM_058243.3); short protein forms S1064F.
Identifiers: ClinVar variation 4998324 (VCV004998324.1).